The following is an entry in ClinVar:

ClinVar aggregate classification (germline): Uncertain significance (1 of 4 stars; one submission).

Conditions:
Mitochondrial hypertrophic cardiomyopathy with lactic acidosis due to MTO1 deficiency. Also called: CARDIOMYOPATHY, INFANTILE HYPERTROPHIC MITOCHONDRIAL, AND LACTIC ACIDOSIS; Combined oxidative phosphorylation deficiency 10. Identifiers: Orphanet 314637, MedGen C4749921, MONDO:0013865, OMIM 614702.

gnomAD v4.1: 4 of 1,614,200 alleles (0.00025%); highest among the groups gnomAD compares: South Asian, 0.0044%; no homozygotes.

Submission:

Victorian Clinical Genetics Services, Murdoch Childrens Research Institute
Classification: Uncertain significance for Mitochondrial hypertrophic cardiomyopathy with lactic acidosis due to MTO1 deficiency. Last evaluated: 2025-11-26. Review status: criteria provided, single submitter. Criteria: ACMG Guidelines, 2015. Collection method: clinical testing. Allele origin: germline. Affected: yes.
Comment: This variant is classified as VUS-3B. Evidence in support of pathogenic classification: Variant is present in gnomAD <0.01 for a recessive condition (v4: 4 heterozygote(s), 0 homozygote(s)). Additional information: Variant is predicted to result in a missense amino acid change from Lys to Asn; This variant is homozygous; This gene is associated with autosomal recessive disease; Alternative amino acid change(s) at the same position are present in gnomAD (highest allele count: v4: 1 heterozygote(s), 0 homozygote(s)); This variant has no previous evidence of pathogenicity; No published evidence of segregation with disease has been identified for this variant; No published functional evidence has been identified for this variant; No comparable missense variants have previous evidence for pathogenicity. p.(Lys112Glu) has been reported in the literature in two individuals with mitochondrial encephalomyopathy however zygosity or additional variants were not disclosed (PMID: 40757025); Variant is located in the annotated glucose inhibited division protein A domain (DECIPHER); Missense variant with inconclusive in silico prediction and/or uninformative conservation; Loss of function is a known mechanism of disease in this gene and is associated with combined oxidative phosphorylation deficiency 10 (MIM#614702).

Literature cited by the submitters: PubMed 40757025.

NM_012123.4(MTO1):c.336A>C (p.Lys112Asn)

Gene: MTO1 (mitochondrial tRNA translation optimization 1; plus strand). Cytogenetic location: 6q13.
Variant type: single nucleotide variant.
Coding change: c.336A>C on transcript NM_012123.4 (MANE Select); coding-DNA position 336, A replaced by C.
Protein change: p.Lys112Asn; replaces lysine 112 with asparagine.
Molecular consequence: missense variant.
Genome position (GRCh38, 1-based): chr6:73,466,327, A>C. VCF-style: chr6-73466327-A-C. GRCh37 (hg19) VCF-style: chr6-74176050-A-C.
Other names: c.336A>C, p.Lys112Asn (NM_001123226.2, NM_133645.3); short protein forms K112N.
Identifiers: ClinVar variation 4819019 (VCV004819019.1).